The following is an entry in ClinVar:

NM_004958.4(MTOR):c.910A>T (p.Met304Leu)

Gene: MTOR (mechanistic target of rapamycin kinase; minus strand). Cytogenetic location: 1p36.22.
Variant type: single nucleotide variant.
Coding change: c.910A>T on transcript NM_004958.4 (MANE Select); coding-DNA position 910, A replaced by T.
Protein change: p.Met304Leu; replaces methionine 304 with leucine.
Molecular consequence: missense variant. On other transcripts: 5 prime UTR variant (1).
Genome position (GRCh38, 1-based): chr1:11,248,025, T>A on the plus strand (A>T on the coding strand, the complement: MTOR is on the minus strand). VCF-style: chr1-11248025-T-A. GRCh37 (hg19) VCF-style: chr1-11308082-T-A.
Other names: c.910A>T, p.Met304Leu (NM_001386500.1); c.-230A>T (NM_001386501.1); short protein forms M304L.
Identifiers: ClinVar variation 3390796 (VCV003390796.1).

ClinVar aggregate classification (germline): Uncertain significance (1 of 4 stars; one submission).

Submission:

GeneDx
Classification: Uncertain significance. Last evaluated: 2024-06-10. Review status: criteria provided, single submitter. Criteria: GeneDx Variant Classification Process June 2021. Collection method: clinical testing. Allele origin: germline. Affected: yes.
Comment: Not observed at significant frequency in large population cohorts (gnomAD); In silico analysis indicates that this missense variant does not alter protein structure/function; Has not been previously published as pathogenic or benign to our knowledge